The following is an entry in ClinVar:

ClinVar aggregate classification (germline): Benign/Likely benign. Review status: criteria provided, multiple submitters, no conflicts (2 of 4 stars). 6 submissions from 6 submitters: Benign (1); Likely benign (5). Last evaluated 2026-08-07.

Conditions:
FKBP14-related disorder. Also called: FKBP14-related condition.
Cardiovascular phenotype. Identifiers: MedGen CN230736.
Ehlers-Danlos syndrome, kyphoscoliotic type, 2. Also called: Ehlers-Danlos syndrome with progressive kyphoscoliosis, myopathy, and hearing loss; Ehlers-Danlos syndrome, kyphoscoliotic and deafness type; FKBP14-Kyphoscoliotic Ehlers-Danlos Syndrome. Identifiers: Orphanet 300179, MedGen C3281160, MONDO:0013800, OMIM 614557.

Allele frequency attached by ClinVar (database versions not stated): gnomAD 0.00002 and 0.00011; TOPMed 0.00005; ESP Exome Variant Server 0.00008; gnomAD exomes 0.00025 and 0.00044; ExAC 0.00053; 1000 Genomes Project 30x 0.00109; 1000 Genomes Project 0.00120.

Submissions (6):

Ambry Genetics
Classification: Likely benign for Cardiovascular phenotype. Last evaluated: 2026-08-07. Review status: criteria provided, single submitter. Criteria: Ambry Variant Classification Scheme 2023. Collection method: clinical testing. Allele origin: germline.

PreventionGenetics, part of Exact Sciences
Classification: Likely benign for FKBP14-related condition. Last evaluated: 2026-06-23. Review status: criteria provided, single submitter. Criteria: ACMG Guidelines, 2015. Collection method: clinical testing. Allele origin: germline.
Comment: This variant is classified as likely benign based on ACMG/AMP sequence variant interpretation guidelines (Richards et al. 2015 PMID: 25741868, with internal and published modifications).

Labcorp Genetics (formerly Invitae), Labcorp
Classification: Benign for Ehlers-Danlos syndrome, kyphoscoliotic type, 2. Last evaluated: 2026-01-07. Review status: criteria provided, single submitter. Criteria: Invitae Variant Classification Sherloc (09022015). Collection method: clinical testing. Allele origin: germline.

Blueprint Genetics
Classification: Likely benign. Last evaluated: 2024-11-25. Review status: criteria provided, single submitter. Criteria: ACMG Guidelines, 2015. Collection method: clinical testing. Allele origin: germline.

GeneDx
Classification: Likely benign. Last evaluated: 2021-03-17. Review status: criteria provided, single submitter. Criteria: GeneDx Variant Classification Process June 2021. Collection method: clinical testing. Allele origin: germline. Affected: yes.

CeGaT Center for Human Genetics Tuebingen
Classification: Likely benign. Last evaluated: 2019-10-01. Review status: criteria provided, single submitter. Criteria: CeGaT Center For Human Genetics Tuebingen Variant Classification Criteria Version 2. Collection method: clinical testing. Allele origin: germline. Affected: yes. Observed: 2 variant alleles.

NM_017946.4(FKBP14):c.48_50del (p.Leu17del)

Genes: FKBP14 (FKBP prolyl isomerase 14; minus strand), FKBP14-AS1 (FKBP14 antisense RNA 1; plus strand). Cytogenetic location: 7p14.3.
Variant type: Deletion.
Coding change: c.48_50del on transcript NM_017946.4 (MANE Select); coding-DNA positions 48 to 50, 3 bases deleted (TTT; older notation c.48_50delTTT).
Protein change: p.Leu17del; deletes leucine 17.
Molecular consequence: inframe deletion. On other transcripts: non-coding transcript variant (2).
Genome position (GRCh38, 1-based): chr7:30,026,459-30,026,461, AAA deleted on the plus strand (TTT on the coding strand, the reverse complement: FKBP14 is on the minus strand). VCF-style (leftmost placement, unchanged base first): chr7-30026458-CAAA-C. GRCh37 (hg19) VCF-style: chr7-30066074-CAAA-C.
Other names: c.48_50delTTT (NM_017946.3, NM_017946.2); short protein forms L17del.
Identifiers: ClinVar variation 374451 (VCV000374451.55), dbSNP rs564626031, ClinGen allele CA4203517.